The following is an entry in ClinVar:

ClinVar aggregate classification (germline): Benign. Review status: criteria provided, multiple submitters, no conflicts (2 of 4 stars). 3 submissions from 3 submitters: Benign (3). Last evaluated 2021-05-21.

Conditions:
Kindler syndrome (KNDLRS). Also called: BULLOUS ACROKERATOTIC POIKILODERMA OF KINDLER AND WEARY; POIKILODERMA, CONGENITAL, WITH BULLAE, WEARY TYPE; POIKILODERMA, HEREDITARY ACROKERATOTIC; Hereditary acrokeratotic poikiloderma of Weary; Poikiloderma of Kindler; Congenital bullous poikiloderma. Identifiers: Orphanet 2908, Orphanet 306539, MedGen C0406557, MONDO:0008260, OMIM 173650.

Allele frequency attached by ClinVar (database versions not stated): gnomAD exomes 0.00253; 1000 Genomes Project 0.01617; gnomAD 0.01649 and 0.01786; 1000 Genomes Project 30x 0.01749; TOPMed 0.01953.
gnomAD v4.1: 3,734 of 620,608 alleles (0.6%); highest among the groups gnomAD compares: African/African-American, 5.5%; 84 homozygotes.

Submissions (3):

GeneDx
Classification: Benign. Last evaluated: 2021-05-21. Review status: criteria provided, single submitter. Criteria: GeneDx Variant Classification Process June 2021. Collection method: clinical testing. Allele origin: germline. Affected: yes.

Illumina Laboratory Services, Illumina
Classification: Benign for Kindler syndrome. Last evaluated: 2018-01-12. Review status: criteria provided, single submitter. Criteria: ICSL Variant Classification Criteria 13 December 2019. Collection method: clinical testing. Allele origin: germline.
Comment: This variant was observed in the ICSL laboratory as part of a predisposition screen in an ostensibly healthy population. It had not been previously curated by ICSL or reported in the Human Gene Mutation Database (HGMD: prior to June 1st, 2018), and was therefore a candidate for classification through an automated scoring system. Utilizing variant allele frequency, disease prevalence and penetrance estimates, and inheritance mode, an automated score was calculated to assess if this variant is too frequent to cause the disease. Based on the score and internal cut-off values, a variant classified as benign is not then subjected to further curation. The score for this variant resulted in a classification of benign for this disease.

Breakthrough Genomics
Classification: Benign. Review status: criteria provided, single submitter. Criteria: ACMG Guidelines, 2015. Collection method: not provided. Allele origin: germline. Inheritance: Autosomal recessive inheritance. Affected: yes.

NM_017671.5(FERMT1):c.*194G>A

Gene: FERMT1 (FERM domain containing kindlin 1; minus strand). Cytogenetic location: 20p12.3.
Variant type: single nucleotide variant.
Coding change: c.*194G>A on transcript NM_017671.5 (MANE Select); 194 bases downstream of the stop codon, G replaced by A.
Molecular consequence: 3 prime UTR variant.
Genome position (GRCh38, 1-based): chr20:6,076,979, C>T on the plus strand (G>A on the coding strand, the complement: FERMT1 is on the minus strand). VCF-style: chr20-6076979-C-T. GRCh37 (hg19) VCF-style: chr20-6057626-C-T.
Identifiers: ClinVar variation 339201 (VCV000339201.9), dbSNP rs114990723, ClinGen allele CA10650141.